The following is an entry in ClinVar:

NM_182641.4(BPTF):c.3505G>C (p.Asp1169His)

Gene: BPTF (bromodomain PHD finger transcription factor; plus strand). Cytogenetic location: 17q24.2.
Variant type: single nucleotide variant.
Coding change: c.3505G>C on transcript NM_182641.4 (MANE Select); coding-DNA position 3505, G replaced by C.
Protein change: p.Asp1169His; replaces aspartic acid 1169 with histidine.
Molecular consequence: missense variant.
Genome position (GRCh38, 1-based): chr17:67,911,389, G>C. VCF-style: chr17-67911389-G-C. GRCh37 (hg19) VCF-style: chr17-65907505-G-C.
Other names: c.3694G>C, p.Asp1232His (NM_001439139.1, NM_001439141.1, NM_001439143.1 and 1 more transcripts); c.3883G>C, p.Asp1295His (NM_001439140.1, NM_001439142.1, NM_004459.7); short protein forms D1169H, D1232H, D1295H.
Identifiers: ClinVar variation 5040527 (VCV005040527.1).

ClinVar aggregate classification (germline): Uncertain significance (1 of 4 stars; one submission).

Submission:

CeGaT Center for Human Genetics Tuebingen
Classification: Uncertain significance. Last evaluated: 2026-08-01. Review status: criteria provided, single submitter. Criteria: CeGaT Center For Human Genetics Tuebingen Variant Classification Criteria Version 2. Collection method: clinical testing. Allele origin: germline. Affected: yes. Observed: 1 variant allele.
Comment: BPTF: PM2, BP4